The following is an entry in ClinVar:

NM_001371279.1(REEP1):c.440G>T (p.Arg147Ile)

Gene: REEP1 (receptor accessory protein 1; minus strand). Cytogenetic location: 2p11.2.
Variant type: single nucleotide variant.
Coding change: c.440G>T on transcript NM_001371279.1 (MANE Select); coding-DNA position 440, G replaced by T.
Protein change: p.Arg147Ile; replaces arginine 147 with isoleucine.
Molecular consequence: missense variant. On other transcripts: intron variant (1).
Genome position (GRCh38, 1-based): chr2:86,232,780, C>A on the plus strand (G>T on the coding strand, the complement: REEP1 is on the minus strand). VCF-style: chr2-86232780-C-A. GRCh37 (hg19) VCF-style: chr2-86459903-C-A.
Other names: c.461G>T, p.Arg154Ile (NM_001164730.2); c.359G>T, p.Arg120Ile (NM_001164731.2); c.205G>T, p.Asp69Tyr (NM_001164732.2); c.440G>T, p.Arg147Ile (NM_022912.3); c.418-15670G>T (NM_001371280.1); short protein forms R147I, R154I, D69Y, R120I.
Identifiers: ClinVar variation 411808 (VCV000411808.9), dbSNP rs1060503497, ClinGen allele CA16611036.

ClinVar aggregate classification (germline): Uncertain significance (1 of 4 stars; one submission).

Conditions:
Hereditary spastic paraplegia 31. Also called: SPASTIC PARAPLEGIA 31, AUTOSOMAL DOMINANT. Identifiers: Orphanet 101011, MedGen C1853247, MONDO:0012453, OMIM 610250.

Submission:

Labcorp Genetics (formerly Invitae), Labcorp
Classification: Uncertain significance for Hereditary spastic paraplegia 31. Last evaluated: 2018-09-11. Review status: criteria provided, single submitter. Criteria: Invitae Variant Classification Sherloc (09022015). Collection method: clinical testing. Allele origin: germline.
Comment: This sequence change replaces arginine with isoleucine at codon 147 of the REEP1 protein (p.Arg147Ile). The arginine residue is moderately conserved and there is a moderate physicochemical difference between arginine and isoleucine. This variant is not present in population databases (ExAC no frequency) and has not been reported in the literature in individuals with a REEP1-related disease. Algorithms developed to predict the effect of missense changes on protein structure and function do not agree on the potential impact of this missense change (SIFT: "Deleterious"; PolyPhen-2: "Possibly Damaging"; Align-GVGD: "Class C0"). In summary, this variant is a novel missense change with uncertain impact on protein function. It has been classified as a Variant of Uncertain Significance.